The following is an entry in ClinVar:

ClinVar aggregate classification (germline): Likely benign (1 of 4 stars; one submission).

Allele frequency attached by ClinVar (database versions not stated): ExAC 0.00011; gnomAD 0.00938.

Submission:

CeGaT Center for Human Genetics Tuebingen
Classification: Likely benign. Last evaluated: 2026-08-01. Review status: criteria provided, single submitter. Criteria: CeGaT Center For Human Genetics Tuebingen Variant Classification Criteria Version 2. Collection method: clinical testing. Allele origin: germline. Affected: yes. Observed: 8 variant alleles.
Comment: LIAT1: BP4, BP7

NM_001013672.5(LIAT1):c.702C>T (p.Gly234=)

Genes: LIAT1 (ligand of ATE1; plus strand), LOC105371430 (uncharacterized LOC105371430; minus strand). Cytogenetic location: 17p13.3.
Variant type: single nucleotide variant.
Coding change: c.702C>T on transcript NM_001013672.5 (MANE Select); coding-DNA position 702, C replaced by T.
Protein change: p.Gly234=; no amino-acid change (glycine 234 retained).
Molecular consequence: synonymous variant.
Genome position (GRCh38, 1-based): chr17:413,545, C>T. VCF-style: chr17-413545-C-T. GRCh37 (hg19) VCF-style: chr17-263336-C-T.
Identifiers: ClinVar variation 2647157 (VCV002647157.24), dbSNP rs782782049, ClinGen allele CA8260673.